The following is an entry in ClinVar:

NM_000052.7(ATP7A):c.4425C>A (p.Asn1475Lys)

Gene: ATP7A (ATPase copper transporting alpha; plus strand). Cytogenetic location: Xq21.1.
Variant type: single nucleotide variant.
Coding change: c.4425C>A on transcript NM_000052.7 (MANE Select); coding-DNA position 4425, C replaced by A.
Protein change: p.Asn1475Lys; replaces asparagine 1475 with lysine.
Molecular consequence: missense variant. On other transcripts: non-coding transcript variant (1).
Genome position (GRCh38, 1-based): chrX:78,046,492, C>A. VCF-style: chrX-78046492-C-A. GRCh37 (hg19) VCF-style: chrX-77301989-C-A.
Other names: c.4191C>A, p.Asn1397Lys (NM_001282224.2); short protein forms N1475K, N1397K.
Identifiers: ClinVar variation 452774 (VCV000452774.2), dbSNP rs1557239142, ClinGen allele CA413606390.
Genomic context (GRCh38, chrX:78,046,492, plus strand): 5'-GATTGTTAATTATAGCAGAGCCTCTATAAACTCACTACTGTCTGATAAACGCTCCCTAAA[C>A]AGTGTTGTTACCAGTGAACCTGACAAGCACTCACTCCTGGTGGGAGACTTCAGGGAAGAT-3'
Protein context (NP_000043.4, residues 1465-1485): NSLLSDKRSL[Asn1475Lys]SVVTSEPDKH

ClinVar aggregate classification (germline): Uncertain significance (1 of 4 stars; one submission).

Submission:

GeneDx
Classification: Uncertain significance. Last evaluated: 2017-10-19. Review status: criteria provided, single submitter. Criteria: GeneDx Variant Classification (06012015). Collection method: clinical testing. Allele origin: germline. Affected: yes.
Comment: The N1475K variant in the ATP7A gene has not been reported previously as a pathogenic variant, nor as a benign variant, to our knowledge. This variant is not observed in large population cohorts (Lek et al., 2016). The N1475K variant is a semi-conservative amino acid substitution, which may impact secondary protein structure as these residues differ in some properties. This substitution occurs at a position that is not conserved. In silico analysis is inconsistent in its predictions as to whether or not the variant is damaging to the protein structure/function. We interpret N1475K as a variant of uncertain significance.